The following is an entry in ClinVar:

NM_001376.5(DYNC1H1):c.1618A>G (p.Lys540Glu)

Gene: DYNC1H1 (dynein cytoplasmic 1 heavy chain 1; plus strand). Cytogenetic location: 14q32.31.
Variant type: single nucleotide variant.
Coding change: c.1618A>G on transcript NM_001376.5 (MANE Select); coding-DNA position 1618, A replaced by G.
Protein change: p.Lys540Glu; replaces lysine 540 with glutamic acid.
Molecular consequence: missense variant.
Genome position (GRCh38, 1-based): chr14:101,985,843, A>G. VCF-style: chr14-101985843-A-G. GRCh37 (hg19) VCF-style: chr14-102452180-A-G.
Other names: short protein forms K540E.
Identifiers: ClinVar variation 992325 (VCV000992325.5), dbSNP rs2047930757, ClinGen allele CA391018735.

ClinVar aggregate classification (germline): Uncertain significance. Review status: criteria provided, multiple submitters, no conflicts (2 of 4 stars). 2 submissions from 2 submitters: Uncertain significance (2). Last evaluated 2024-06-24.

Conditions:
Charcot-Marie-Tooth disease axonal type 2O. Also called: CHARCOT-MARIE-TOOTH NEUROPATHY, AXONAL, TYPE 2O; CHARCOT-MARIE-TOOTH DISEASE, AXONAL, AUTOSOMAL DOMINANT, TYPE 2O; Charcot-Marie-Tooth disease, axonal, type 20; Charcot-Marie-Tooth Neuropathy Type 2O. Identifiers: Orphanet 284232, MedGen C3280220, MONDO:0013644, OMIM 614228.

Submissions (2):

Labcorp Genetics (formerly Invitae), Labcorp
Classification: Uncertain significance for Charcot-Marie-Tooth disease axonal type 2O. Last evaluated: 2024-06-24. Review status: criteria provided, single submitter. Criteria: Invitae Variant Classification Sherloc (09022015). Collection method: clinical testing. Allele origin: germline.
Comment: This sequence change replaces lysine, which is basic and polar, with glutamic acid, which is acidic and polar, at codon 540 of the DYNC1H1 protein (p.Lys540Glu). This variant is not present in population databases (gnomAD no frequency). This variant has not been reported in the literature in individuals affected with DYNC1H1-related conditions. ClinVar contains an entry for this variant (Variation ID: 992325). Advanced modeling of protein sequence and biophysical properties (such as structural, functional, and spatial information, amino acid conservation, physicochemical variation, residue mobility, and thermodynamic stability) performed at Invitae indicates that this missense variant is not expected to disrupt DYNC1H1 protein function with a negative predictive value of 95%. In summary, the available evidence is currently insufficient to determine the role of this variant in disease. Therefore, it has been classified as a Variant of Uncertain Significance.

Greenwood Genetic Center Diagnostic Laboratories, Greenwood Genetic Center
Classification: Uncertain significance. Last evaluated: 2020-08-24. Review status: criteria provided, single submitter. Criteria: ACMG Guidelines, 2015. Collection method: clinical testing. Allele origin: germline. Affected: yes.